The following is an entry in ClinVar:

ClinVar aggregate classification (germline): Uncertain significance (1 of 4 stars; one submission).

Allele frequency attached by ClinVar (database versions not stated): gnomAD exomes 0.00001; ExAC 0.00001.
gnomAD v4.1: 9 of 1,614,214 alleles (0.00056%); highest among the groups gnomAD compares: South Asian, 0.0022%; no homozygotes.

Submission:

Labcorp Genetics (formerly Invitae), Labcorp
Classification: Uncertain significance. Last evaluated: 2025-07-02. Review status: criteria provided, single submitter. Criteria: Invitae Variant Classification Sherloc (09022015). Collection method: clinical testing. Allele origin: germline.
Comment: This sequence change replaces histidine, which is basic and polar, with arginine, which is basic and polar, at codon 37 of the GATAD2B protein (p.His37Arg). This variant is present in population databases (rs111589074, gnomAD 0.006%). This variant has not been reported in the literature in individuals affected with GATAD2B-related conditions. ClinVar contains an entry for this variant (Variation ID: 3009486). Invitae Evidence Modeling of protein sequence and biophysical properties (such as structural, functional, and spatial information, amino acid conservation, physicochemical variation, residue mobility, and thermodynamic stability) indicates that this missense variant is expected to disrupt GATAD2B protein function with a positive predictive value of 80%. In summary, the available evidence is currently insufficient to determine the role of this variant in disease. Therefore, it has been classified as a Variant of Uncertain Significance.

NM_020699.4(GATAD2B):c.110A>G (p.His37Arg)

Gene: GATAD2B (GATA zinc finger domain containing 2B; minus strand). Cytogenetic location: 1q21.3.
Variant type: single nucleotide variant.
Coding change: c.110A>G on transcript NM_020699.4 (MANE Select); coding-DNA position 110, A replaced by G.
Protein change: p.His37Arg; replaces histidine 37 with arginine.
Molecular consequence: missense variant.
Genome position (GRCh38, 1-based): chr1:153,828,238, T>C on the plus strand (A>G on the coding strand, the complement: GATAD2B is on the minus strand). VCF-style: chr1-153828238-T-C. GRCh37 (hg19) VCF-style: chr1-153800714-T-C.
Other names: short protein forms H37R.
Identifiers: ClinVar variation 3009486 (VCV003009486.3), dbSNP rs111589074, ClinGen allele CA1120926.